The following is an entry in ClinVar:

NM_032043.3(BRIP1):c.1535A>G (p.Glu512Gly)

Gene: BRIP1 (BRCA1 interacting DNA helicase 1; minus strand). Cytogenetic location: 17q23.2.
Variant type: single nucleotide variant.
Coding change: c.1535A>G on transcript NM_032043.3 (MANE Select); coding-DNA position 1535, A replaced by G.
Protein change: p.Glu512Gly; replaces glutamic acid 512 with glycine.
Molecular consequence: missense variant.
Genome position (GRCh38, 1-based): chr17:61,784,363, T>C on the plus strand (A>G on the coding strand, the complement: BRIP1 is on the minus strand). VCF-style: chr17-61784363-T-C. GRCh37 (hg19) VCF-style: chr17-59861724-T-C.
Other names: short protein forms E512G.
Identifiers: ClinVar variation 2112053 (VCV002112053.4), dbSNP rs2145138857, ClinGen allele CA400481260.

ClinVar aggregate classification (germline): Uncertain significance (1 of 4 stars; one submission).

Conditions:
Fanconi anemia complementation group J. Also called: BRIP1-Related Fanconi Anemia. Identifiers: Orphanet 84, MedGen C1836860, MONDO:0012187, OMIM 609054.
Familial cancer of breast. Also called: BREAST CANCER, FAMILIAL; hereditary breast carcinoma; Hereditary breast cancer. Identifiers: Orphanet 227535, MedGen C0346153, MONDO:0016419, OMIM 114480. Disease mechanism: loss of function.

Submission:

Labcorp Genetics (formerly Invitae), Labcorp
Classification: Uncertain significance for Familial cancer of breast; Fanconi anemia complementation group J. Last evaluated: 2022-03-14. Review status: criteria provided, single submitter. Criteria: Invitae Variant Classification Sherloc (09022015). Collection method: clinical testing. Allele origin: germline.
Comment: In summary, the available evidence is currently insufficient to determine the role of this variant in disease. Therefore, it has been classified as a Variant of Uncertain Significance. Algorithms developed to predict the effect of sequence changes on RNA splicing suggest that this variant may disrupt the consensus splice site. Algorithms developed to predict the effect of missense changes on protein structure and function are either unavailable or do not agree on the potential impact of this missense change (SIFT: "Tolerated"; PolyPhen-2: "Possibly Damaging"; Align-GVGD: "Class C0"). This variant has not been reported in the literature in individuals affected with BRIP1-related conditions. This variant is not present in population databases (gnomAD no frequency). This sequence change replaces glutamic acid, which is acidic and polar, with glycine, which is neutral and non-polar, at codon 512 of the BRIP1 protein (p.Glu512Gly).